The following is an entry in ClinVar:

ClinVar aggregate classification (germline): Uncertain significance. Review status: criteria provided, multiple submitters, no conflicts (2 of 4 stars). 2 submissions from 2 submitters: Uncertain significance (2). Last evaluated 2025-02-21.

Conditions:
Inborn genetic diseases. Identifiers: MedGen C0950123, MeSH D030342.

gnomAD v4.1: 16 of 1,612,656 alleles (0.00099%); highest among the groups gnomAD compares: Non-Finnish European, 0.0013%; no homozygotes.

Submissions (2):

Ambry Genetics
Classification: Uncertain significance for Inborn genetic diseases. Last evaluated: 2025-02-21. Review status: criteria provided, single submitter. Criteria: Ambry Variant Classification Scheme 2023. Collection method: clinical testing. Allele origin: germline.
Comment: The p.Q1119R variant (also known as c.3356A>G), located in coding exon 24 of the ANKRD26 gene, results from an A to G substitution at nucleotide position 3356. The glutamine at codon 1119 is replaced by arginine, an amino acid with highly similar properties. This amino acid position is conserved. In addition, this alteration is predicted to be tolerated by in silico analysis. Based on the available evidence, the clinical significance of this variant remains unclear.

Blueprint Genetics
Classification: Uncertain significance. Last evaluated: 2022-12-06. Review status: criteria provided, single submitter. Criteria: ACMG Guidelines, 2015. Collection method: clinical testing. Allele origin: germline.

NM_014915.3(ANKRD26):c.3356A>G (p.Gln1119Arg)

Gene: ANKRD26 (ankyrin repeat domain 26; minus strand). Cytogenetic location: 10p12.1.
Variant type: single nucleotide variant.
Coding change: c.3356A>G on transcript NM_014915.3 (MANE Select); coding-DNA position 3356, A replaced by G.
Protein change: p.Gln1119Arg; replaces glutamine 1119 with arginine.
Molecular consequence: missense variant.
Genome position (GRCh38, 1-based): chr10:27,035,094, T>C on the plus strand (A>G on the coding strand, the complement: ANKRD26 is on the minus strand). VCF-style: chr10-27035094-T-C. GRCh37 (hg19) VCF-style: chr10-27324023-T-C.
Other names: c.3353A>G, p.Gln1118Arg (NM_001256053.2); short protein forms Q1118R, Q1119R.
Identifiers: ClinVar variation 3868009 (VCV003868009.2).